The following is an entry in ClinVar:

ClinVar aggregate classification (germline): Likely benign. Review status: criteria provided, multiple submitters, no conflicts (2 of 4 stars). 6 submissions from 6 submitters: Likely benign (6). Last evaluated 2025-07-01.

Conditions:
Cardiovascular phenotype. Identifiers: MedGen CN230736.

Allele frequency attached by ClinVar (database versions not stated): gnomAD exomes 0.00001 and 0.00002; gnomAD 0.00002; TOPMed 0.00002.
gnomAD v4.1: 36 of 1,550,182 alleles (0.0023%); highest among the groups gnomAD compares: Non-Finnish European, 0.0025%; no homozygotes.

Submissions (6):

CeGaT Center for Human Genetics Tuebingen
Classification: Likely benign. Last evaluated: 2025-07-01. Review status: criteria provided, single submitter. Criteria: CeGaT Center For Human Genetics Tuebingen Variant Classification Criteria Version 2. Collection method: clinical testing. Allele origin: germline. Affected: yes. Observed: 2 variant alleles.
Comment: ZNF469: BP4, BP7

Labcorp Genetics (formerly Invitae), Labcorp
Classification: Likely benign. Last evaluated: 2025-02-12. Review status: criteria provided, single submitter. Criteria: Invitae Variant Classification Sherloc (09022015). Collection method: clinical testing. Allele origin: germline.

Mayo Clinic Laboratories, Mayo Clinic
Classification: Likely benign. Last evaluated: 2025-01-29. Review status: criteria provided, single submitter. Criteria: ACMG Guidelines, 2015. Collection method: clinical testing. Allele origin: germline. Observed: 1 variant allele.
Comment: BP4, BP7, PM2_supporting

Blueprint Genetics
Classification: Likely benign. Last evaluated: 2023-10-26. Review status: criteria provided, single submitter. Criteria: ACMG Guidelines, 2015. Collection method: clinical testing. Allele origin: germline.

Ambry Genetics
Classification: Likely benign for Cardiovascular phenotype. Last evaluated: 2023-05-25. Review status: criteria provided, single submitter. Criteria: Ambry Variant Classification Scheme 2023. Collection method: clinical testing. Allele origin: germline.

GeneDx
Classification: Likely benign. Last evaluated: 2019-06-06. Review status: criteria provided, single submitter. Criteria: GeneDx Variant Classification Process June 2021. Collection method: clinical testing. Allele origin: germline. Affected: yes.

NM_001367624.2(ZNF469):c.5853C>T (p.Ala1951=)

Gene: ZNF469 (zinc finger protein 469; plus strand). Cytogenetic location: 16q24.2.
Variant type: single nucleotide variant.
Coding change: c.5853C>T on transcript NM_001367624.2 (MANE Select); coding-DNA position 5853, C replaced by T.
Protein change: p.Ala1951=; no amino-acid change (alanine 1951 retained).
Molecular consequence: synonymous variant.
Genome position (GRCh38, 1-based): chr16:88,433,323, C>T. VCF-style: chr16-88433323-C-T. GRCh37 (hg19) VCF-style: chr16-88499731-C-T.
Other names: NM_001127464.1:c.5769C>T; p.Ala1951=.
Identifiers: ClinVar variation 515438 (VCV000515438.29), dbSNP rs1409689399, ClinGen allele CA497355706.